The following is an entry in ClinVar:

Single allele

Genes: MYOT (myotilin; plus strand), PKD2L2-DT (PKD2L2 divergent transcript; minus strand), PKD2L2 (polycystin 2 like 2, transient receptor potential cation channel; plus strand), LOC129994721 (ATAC-STARR-seq lymphoblastoid active region 23188; plus strand), LOC129994722 (ATAC-STARR-seq lymphoblastoid active region 23189; plus strand). Cytogenetic location: 5q31.2.
Variant type: Duplication.
Identifiers: ClinVar variation 3764745 (VCV003764745.1).

ClinVar aggregate classification (germline): Likely pathogenic (0 of 4 stars; one submission).

Conditions:
Myofibrillar myopathy 3 (MFM3). Also called: Muscular dystrophy, proximal, type 1A; Autosomal dominant spheroid body myopathy. Identifiers: Orphanet 266, Orphanet 268129, MedGen C3714934, MONDO:0012215, OMIM 609200.

Submission:

Solve-RD Consortium
Classification: Likely pathogenic for Myofibrillar myopathy 3. Last evaluated: 2024-09-01. Review status: no assertion criteria provided. Collection method: provider interpretation. Allele origin: unknown. Affected: yes. Study: Solve-RD Consortium.
Comment: The variant is a 65 kb duplication involving MYOT. In both the patient and their sibling, MYOT protein expression was increased compared with a pooled group of healthy controls, suggesting a pathogenic gene dosage effect on MYOT expression (PMID:39757377). This CNV was confirmed by the submitting clinician to impact a gene that corresponds with the phenotype of the affected individual, and thus deemed to be causative for their condition.

Literature cited by the submitters: PubMed 18321925; PubMed 39757377.